The following is an entry in ClinVar:

ClinVar aggregate classification (germline): Likely pathogenic (1 of 4 stars; one submission).

Conditions:
LAMA2-related muscular dystrophy (LAMA2-RD). Also called: Laminin alpha 2-related dystrophy. Identifiers: MedGen C5679788, MONDO:0100228.

Submission:

Myriad Genetics, Inc.
Classification: Likely pathogenic for LAMA2-related muscular dystrophy. Last evaluated: 2021-12-01. Review status: criteria provided, single submitter. Criteria: Myriad Autosomal Dominant, Autosomal Recessive and X-Linked Classification Criteria (2023). Collection method: clinical testing. Allele origin: unknown.
Comment: NM_000426.3(LAMA2):c.4397_4398delGT(C1466Sfs*12) is expected to be pathogenic in the context of muscular dystrophy, LAMA2-related. This variant is predicted to lead to an abnormal or absent protein product due to the creation of a premature termination codon in LAMA2, a gene where loss-of-function variants are known to be pathogenic. Please note: this variant was assessed in the context of healthy population screening.

NM_000426.4(LAMA2):c.4397_4398del (p.Cys1466fs)

Gene: LAMA2 (laminin subunit alpha 2; plus strand). Cytogenetic location: 6q22.33.
Variant type: Deletion.
Coding change: c.4397_4398del on transcript NM_000426.4 (MANE Select); coding-DNA positions 4397 to 4398, 2 bases deleted (GT; older notation c.4397_4398delGT).
Protein change: p.Cys1466fs; shifts the reading frame from cysteine 1466.
Molecular consequence: frameshift variant.
Genome position (GRCh38, 1-based): chr6:129,342,428-129,342,429, GT deleted; deleting any 2 consecutive bases within chr6:129,342,427-129,342,429 gives the same sequence; the c. name uses the placement nearest the transcript's 3' end. VCF-style (leftmost placement, unchanged base first): chr6-129342426-CTG-C. GRCh37 (hg19) VCF-style: chr6-129663571-CTG-C.
Other names: c.4397_4398del, p.Cys1466fs (NM_001079823.2); short protein forms C1466fs.
Identifiers: ClinVar variation 1725148 (VCV001725148.3), dbSNP rs2482532201, ClinGen allele CA2580074942.